The following is an entry in ClinVar:

NM_004525.3(LRP2):c.10651C>A (p.Arg3551Ser)

Gene: LRP2 (LDL receptor related protein 2; minus strand). Cytogenetic location: 2q31.1.
Variant type: single nucleotide variant.
Coding change: c.10651C>A on transcript NM_004525.3 (MANE Select); coding-DNA position 10651, C replaced by A.
Protein change: p.Arg3551Ser; replaces arginine 3551 with serine.
Molecular consequence: missense variant.
Genome position (GRCh38, 1-based): chr2:169,175,310, G>T on the plus strand (C>A on the coding strand, the complement: LRP2 is on the minus strand). VCF-style: chr2-169175310-G-T. GRCh37 (hg19) VCF-style: chr2-170031820-G-T.
Other names: short protein forms R3551S.
Identifiers: ClinVar variation 3361982 (VCV003361982.1).

ClinVar aggregate classification (germline): Uncertain significance (1 of 4 stars; one submission).

gnomAD v4.1: 6 of 1,614,206 alleles (0.00037%); highest among the groups gnomAD compares: Admixed American, 0.005%; no homozygotes.

Submission:

GeneDx
Classification: Uncertain significance. Last evaluated: 2023-05-20. Review status: criteria provided, single submitter. Criteria: GeneDx Variant Classification Process June 2021. Collection method: clinical testing. Allele origin: germline. Affected: yes.
Comment: In silico analysis supports that this missense variant has a deleterious effect on protein structure/function; Has not been previously published as pathogenic or benign to our knowledge